The following is an entry in ClinVar:

NM_024408.4(NOTCH2):c.5509C>T (p.Leu1837Phe)

Gene: NOTCH2 (notch receptor 2; minus strand). Cytogenetic location: 1p12.
Variant type: single nucleotide variant.
Coding change: c.5509C>T on transcript NM_024408.4 (MANE Select); coding-DNA position 5509, C replaced by T.
Protein change: p.Leu1837Phe; replaces leucine 1837 with phenylalanine.
Molecular consequence: missense variant.
Genome position (GRCh38, 1-based): chr1:119,919,584, G>A on the plus strand (C>T on the coding strand, the complement: NOTCH2 is on the minus strand). VCF-style: chr1-119919584-G-A. GRCh37 (hg19) VCF-style: chr1-120462207-G-A.
Other names: short protein forms L1837F.
Identifiers: ClinVar variation 2903924 (VCV002903924.3), dbSNP rs1043663163, ClinGen allele CA341884975.

ClinVar aggregate classification (germline): Uncertain significance (1 of 4 stars; one submission).

Conditions:
Hajdu-Cheney syndrome (HJCYS). Also called: ACROOSTEOLYSIS WITH OSTEOPOROSIS AND CHANGES IN SKULL AND MANDIBLE; SERPENTINE FIBULA-POLYCYSTIC KIDNEY SYNDROME; Acroosteolysis dominant type. Identifiers: Orphanet 955, MedGen C0917715, MONDO:0007057, OMIM 102500.

Allele frequency attached by ClinVar (database versions not stated): TOPMed below 0.00001; gnomAD 0.00001.

Submission:

Labcorp Genetics (formerly Invitae), Labcorp
Classification: Uncertain significance for Hajdu-Cheney syndrome. Last evaluated: 2023-07-10. Review status: criteria provided, single submitter. Criteria: Invitae Variant Classification Sherloc (09022015). Collection method: clinical testing. Allele origin: germline.
Comment: In summary, the available evidence is currently insufficient to determine the role of this variant in disease. Therefore, it has been classified as a Variant of Uncertain Significance. Advanced modeling of protein sequence and biophysical properties (such as structural, functional, and spatial information, amino acid conservation, physicochemical variation, residue mobility, and thermodynamic stability) performed at Invitae indicates that this missense variant is not expected to disrupt NOTCH2 protein function. This variant has not been reported in the literature in individuals affected with NOTCH2-related conditions. This variant is not present in population databases (gnomAD no frequency). This sequence change replaces leucine, which is neutral and non-polar, with phenylalanine, which is neutral and non-polar, at codon 1837 of the NOTCH2 protein (p.Leu1837Phe).